The following is an entry in ClinVar:

NM_001017980.4(VMA21):c.71C>A (p.Ala24Glu)

Gene: VMA21 (vacuolar ATPase assembly factor VMA21; plus strand). Cytogenetic location: Xq28.
Variant type: single nucleotide variant.
Coding change: c.71C>A on transcript NM_001017980.4 (MANE Select); coding-DNA position 71, C replaced by A.
Protein change: p.Ala24Glu; replaces alanine 24 with glutamic acid.
Molecular consequence: missense variant.
Genome position (GRCh38, 1-based): chrX:151,403,648, C>A. VCF-style: chrX-151403648-C-A. GRCh37 (hg19) VCF-style: chrX-150572120-C-A.
Other names: c.236C>A, p.Ala79Glu (NM_001363810.1); short protein forms A24E, A79E.
Identifiers: ClinVar variation 3620256 (VCV003620256.2).

ClinVar aggregate classification (germline): Uncertain significance (1 of 4 stars; one submission).

Conditions:
X-linked myopathy with excessive autophagy (AVM). Also called: Vacuolar myopathy; Autophagic vacuolar myopathy. Identifiers: Orphanet 25980, MedGen C1839615, MONDO:0010684, OMIM 310440.

Submission:

Labcorp Genetics (formerly Invitae), Labcorp
Classification: Uncertain significance for X-linked myopathy with excessive autophagy. Last evaluated: 2024-05-13. Review status: criteria provided, single submitter. Criteria: Invitae Variant Classification Sherloc (09022015). Collection method: clinical testing. Allele origin: germline.
Comment: This sequence change replaces alanine, which is neutral and non-polar, with glutamic acid, which is acidic and polar, at codon 24 of the VMA21 protein (p.Ala24Glu). This variant is not present in population databases (gnomAD no frequency). This variant has not been reported in the literature in individuals affected with VMA21-related conditions. An algorithm developed to predict the effect of missense changes on protein structure and function (PolyPhen-2) suggests that this variant is likely to be disruptive. In summary, the available evidence is currently insufficient to determine the role of this variant in disease. Therefore, it has been classified as a Variant of Uncertain Significance.